The following is an entry in ClinVar:

NM_004304.5(ALK):c.1385C>T (p.Ala462Val)

Gene: ALK (ALK receptor tyrosine kinase; minus strand). Cytogenetic location: 2p23.2.
Variant type: single nucleotide variant.
Coding change: c.1385C>T on transcript NM_004304.5 (MANE Select); coding-DNA position 1385, C replaced by T.
Protein change: p.Ala462Val; replaces alanine 462 with valine.
Molecular consequence: missense variant.
Genome position (GRCh38, 1-based): chr2:29,328,379, G>A on the plus strand (C>T on the coding strand, the complement: ALK is on the minus strand). VCF-style: chr2-29328379-G-A. GRCh37 (hg19) VCF-style: chr2-29551245-G-A.
Other names: short protein forms A462V.
Identifiers: ClinVar variation 3728350 (VCV003728350.2).
Genomic context (GRCh38, chr2:29,328,379, plus strand): 5'-CAGGCAGGGTGGGGCAGCCCCATCTACTCACGGCACATCTGGCTCTCATCTTCTCCCTGG[G>A]CACAGTCCTGGTGGAAGTCACAGGCCTGCCCAAGCTGGAGGACTGTCCCATTCCAACAAG-3'
Protein context (NP_004295.2, residues 452-472): GQACDFHQDC[Ala462Val]QGEDESQMCR

ClinVar aggregate classification (germline): Uncertain significance (1 of 4 stars; one submission).

Conditions:
Neuroblastoma, susceptibility to, 3. Also called: ALK-Related Neuroblastic Tumor Susceptibility. Identifiers: Orphanet 635, MedGen C2751681, MONDO:0013083, OMIM 613014.

Submission:

Labcorp Genetics (formerly Invitae), Labcorp
Classification: Uncertain significance for Neuroblastoma, susceptibility to, 3. Last evaluated: 2024-12-31. Review status: criteria provided, single submitter. Criteria: Invitae Variant Classification Sherloc (09022015). Collection method: clinical testing. Allele origin: germline.
Comment: This sequence change replaces alanine, which is neutral and non-polar, with valine, which is neutral and non-polar, at codon 462 of the ALK protein (p.Ala462Val). This variant is not present in population databases (gnomAD no frequency). This variant has not been reported in the literature in individuals affected with ALK-related conditions. An algorithm developed to predict the effect of missense changes on protein structure and function (PolyPhen-2) suggests that this variant is likely to be tolerated. In summary, the available evidence is currently insufficient to determine the role of this variant in disease. Therefore, it has been classified as a Variant of Uncertain Significance.